The following is an entry in ClinVar:

ClinVar aggregate classification (germline): Uncertain significance (1 of 4 stars; one submission).

Conditions:
Developmental and epileptic encephalopathy, 27 (DEE27). Also called: GRIN2B-Related Neurodevelopmental Disorder; Epileptic encephalopathy, early infantile, 27. Identifiers: Orphanet 3451, MedGen C4015316, MONDO:0014505, OMIM 616139.
Intellectual developmental disorder, autosomal dominant 6, with or without seizures. Also called: Intellectual disability, autosomal dominant 6; GRIN2B-related developmental delay, intellectual disability and autism spectrum disorder. Identifiers: Orphanet 589547, MedGen C3151411, MONDO:0013509, OMIM 613970.

Allele frequency attached by ClinVar (database versions not stated): gnomAD exomes 0.00001.
gnomAD v4.1: 14 of 1,614,198 alleles (0.00087%); highest among the groups gnomAD compares: East Asian, 0.027%; no homozygotes.

Submission:

Labcorp Genetics (formerly Invitae), Labcorp
Classification: Uncertain significance for Developmental and epileptic encephalopathy, 27; Intellectual developmental disorder, autosomal dominant 6, with or without seizures. Last evaluated: 2021-10-28. Review status: criteria provided, single submitter. Criteria: Invitae Variant Classification Sherloc (09022015). Collection method: clinical testing. Allele origin: germline.
Comment: In summary, the available evidence is currently insufficient to determine the role of this variant in disease. Therefore, it has been classified as a Variant of Uncertain Significance. Advanced modeling of protein sequence and biophysical properties (such as structural, functional, and spatial information, amino acid conservation, physicochemical variation, residue mobility, and thermodynamic stability) performed at Invitae indicates that this missense variant is not expected to disrupt GRIN2B protein function. ClinVar contains an entry for this variant (Variation ID: 1021034). This variant has not been reported in the literature in individuals affected with GRIN2B-related conditions. This variant is not present in population databases (gnomAD no frequency). This sequence change replaces lysine, which is basic and polar, with arginine, which is basic and polar, at codon 1292 of the GRIN2B protein (p.Lys1292Arg).

NM_000834.5(GRIN2B):c.3875A>G (p.Lys1292Arg)

Gene: GRIN2B (glutamate ionotropic receptor NMDA type subunit 2B; minus strand). Cytogenetic location: 12p13.1.
Variant type: single nucleotide variant.
Coding change: c.3875A>G on transcript NM_000834.5 (MANE Select); coding-DNA position 3875, A replaced by G.
Protein change: p.Lys1292Arg; replaces lysine 1292 with arginine.
Molecular consequence: missense variant.
Genome position (GRCh38, 1-based): chr12:13,563,363, T>C on the plus strand (A>G on the coding strand, the complement: GRIN2B is on the minus strand). VCF-style: chr12-13563363-T-C. GRCh37 (hg19) VCF-style: chr12-13716297-T-C.
Other names: short protein forms K1292R.
Identifiers: ClinVar variation 1021034 (VCV001021034.7), dbSNP rs1948576645, ClinGen allele CA383987313.